The following is an entry in ClinVar:

NM_005476.7(GNE):c.2066C>T (p.Ser689Phe)

Gene: GNE (glucosamine (UDP-N-acetyl)-2-epimerase/N-acetylmannosamine kinase; minus strand). Cytogenetic location: 9p13.3.
Variant type: single nucleotide variant.
Coding change: c.2066C>T on transcript NM_005476.7 (MANE Select); coding-DNA position 2066, C replaced by T.
Protein change: p.Ser689Phe; replaces serine 689 with phenylalanine.
Molecular consequence: missense variant.
Genome position (GRCh38, 1-based): chr9:36,217,468, G>A on the plus strand (C>T on the coding strand, the complement: GNE is on the minus strand). VCF-style: chr9-36217468-G-A. GRCh37 (hg19) VCF-style: chr9-36217465-G-A.
Other names: c.2159C>T, p.Ser720Phe (NM_001128227.3); c.1844C>T, p.Ser615Phe (NM_001190383.3); c.1736C>T, p.Ser579Phe (NM_001190384.3); c.1889C>T, p.Ser630Phe (NM_001190388.2, NM_001374798.1); c.1913C>T, p.Ser638Phe (NM_001374797.1); short protein forms S579F, S720F, S689F, S615F, S630F, S638F.
Identifiers: ClinVar variation 3281777 (VCV003281777.3).

ClinVar aggregate classification (germline): Uncertain significance. Review status: criteria provided, multiple submitters, no conflicts (2 of 4 stars). 2 submissions from 2 submitters: Uncertain significance (2). Last evaluated 2025-01-01.

Conditions:
Inborn genetic diseases. Identifiers: MedGen C0950123, MeSH D030342.
GNE myopathy (NM). Also called: NONAKA DISTAL MYOPATHY; INCLUSION BODY MYOPATHY, HEREDITARY, AUTOSOMAL RECESSIVE; INCLUSION BODY MYOPATHY 2, AUTOSOMAL RECESSIVE; MYOPATHY, DISTAL, WITH OR WITHOUT RIMMED VACUOLES; IBM 2; Inclusion body myopathy autosomal recessive. Identifiers: Orphanet 602, MedGen C1853926, MONDO:0011603, OMIM 605820.
Sialuria. Also called: SIALURIA, FRENCH TYPE; Sialic Acid Storage Disease. Identifiers: Orphanet 3166, MedGen C0342853, MONDO:0010028, OMIM 269921.

gnomAD v4.1: 2 of 1,614,008 alleles (0.00012%); highest among the groups gnomAD compares: East Asian, 0.0022%; no homozygotes.

Submissions (2):

Labcorp Genetics (formerly Invitae), Labcorp
Classification: Uncertain significance for Sialuria; GNE myopathy. Last evaluated: 2025-01-01. Review status: criteria provided, single submitter. Criteria: Invitae Variant Classification Sherloc (09022015). Collection method: clinical testing. Allele origin: germline.
Comment: This sequence change replaces serine, which is neutral and polar, with phenylalanine, which is neutral and non-polar, at codon 720 of the GNE protein (p.Ser720Phe). This variant is present in population databases (rs761654507, gnomAD 0.02%). This variant has not been reported in the literature in individuals affected with GNE-related conditions. An algorithm developed to predict the effect of missense changes on protein structure and function outputs the following: PolyPhen-2: "Benign". The phenylalanine amino acid residue is found in multiple mammalian species, which suggests that this missense change does not adversely affect protein function. In summary, the available evidence is currently insufficient to determine the role of this variant in disease. Therefore, it has been classified as a Variant of Uncertain Significance.

Ambry Genetics
Classification: Uncertain significance for Inborn genetic diseases. Last evaluated: 2024-03-18. Review status: criteria provided, single submitter. Criteria: Ambry Variant Classification Scheme 2023. Collection method: clinical testing. Allele origin: germline.